The following is an entry in ClinVar:

ClinVar aggregate classification (germline): Uncertain significance (1 of 4 stars; one submission).

gnomAD v4.1: 1 of 1,611,470 alleles (0.000062%); highest among the groups gnomAD compares: Non-Finnish European, 0.000085%; no homozygotes.

Submission:

Ambry Genetics
Classification: Uncertain significance. Last evaluated: 2026-07-11. Review status: criteria provided, single submitter. Criteria: Ambry Variant Classification Scheme 2023. Collection method: clinical testing. Allele origin: germline.
Comment: The p.C497R variant (also known as c.1489T>C), located in coding exon 8 of the PALLD gene, results from a T to C substitution at nucleotide position 1489. The cysteine at codon 497 is replaced by arginine, an amino acid with highly dissimilar properties. This amino acid position is conserved. In addition, this alteration is predicted to be deleterious by in silico analysis. Based on the available evidence, the clinical significance of this variant remains unclear.

NM_001166108.2(PALLD):c.3001T>C (p.Cys1001Arg)

Genes: CBR4 (carbonyl reductase 4; minus strand), PALLD (palladin, cytoskeletal associated protein; plus strand). Cytogenetic location: 4q32.3.
Variant type: single nucleotide variant.
Coding change: c.3001T>C on transcript NM_001166108.2 (MANE Select); coding-DNA position 3001, T replaced by C.
Protein change: p.Cys1001Arg; replaces cysteine 1001 with arginine.
Molecular consequence: missense variant.
Genome position (GRCh38, 1-based): chr4:168,921,684, T>C. VCF-style: chr4-168921684-T-C. GRCh37 (hg19) VCF-style: chr4-169842835-T-C.
Other names: c.1804T>C, p.Cys602Arg (NM_001166109.2); c.1489T>C, p.Cys497Arg (NM_001166110.2); c.829T>C, p.Cys277Arg (NM_001367567.1, NM_001367569.1); c.880T>C, p.Cys294Arg (NM_001367568.1, NM_001367570.1); c.2950T>C, p.Cys984Arg (NM_016081.4); short protein forms C1001R, C497R, C602R, C277R, C294R, C984R.
Identifiers: ClinVar variation 5026221 (VCV005026221.1).